The following is an entry in ClinVar:

NM_015178.3(RHOBTB2):c.892A>G (p.Met298Val)

Gene: RHOBTB2 (Rho related BTB domain containing 2; plus strand). Cytogenetic location: 8p21.3.
Variant type: single nucleotide variant.
Coding change: c.892A>G on transcript NM_015178.3 (MANE Select); coding-DNA position 892, A replaced by G.
Protein change: p.Met298Val; replaces methionine 298 with valine.
Molecular consequence: missense variant.
Genome position (GRCh38, 1-based): chr8:23,007,137, A>G. VCF-style: chr8-23007137-A-G. GRCh37 (hg19) VCF-style: chr8-22864650-A-G.
Other names: c.958A>G, p.Met320Val (NM_001160036.2); c.913A>G, p.Met305Val (NM_001160037.2); c.892A>G, p.Met298Val (NM_001374791.1); short protein forms M298V, M305V, M320V.
Identifiers: ClinVar variation 3391312 (VCV003391312.1).

ClinVar aggregate classification (germline): Uncertain significance (1 of 4 stars; one submission).

Conditions:
Developmental and epileptic encephalopathy, 64. Also called: EPILEPTIC ENCEPHALOPATHY, EARLY INFANTILE, 64. Identifiers: MedGen C4693899, MONDO:0033373, OMIM 618004.

gnomAD v4.1: 3 of 1,608,308 alleles (0.00019%); highest among the groups gnomAD compares: South Asian, 0.0022%; no homozygotes.

Submission:

Neuberg Centre For Genomic Medicine, NCGM
Classification: Uncertain significance for Developmental and epileptic encephalopathy, 64. Last evaluated: 2023-06-22. Review status: criteria provided, single submitter. Criteria: ACMG Guidelines, 2015. Collection method: clinical testing. Allele origin: germline. Inheritance: Autosomal dominant inheritance. Affected: yes.
Comment: The observed missense c.892A>Gp.Met298Val variant in RHOBTB2 gene has not been reported previously as a pathogenic variant nor as a benign variant, to our knowledge. This variant is absent in gnomAD Exomes. The amino acid Met at position 298 is changed to a Val changing protein sequence and it might alter its composition and physico-chemical properties. The amino acid change p.Met298Val in RHOBTB2 is predicted as conserved by GERP++ and PhyloP across 100 vertebrates. Computational evidence Polyphen - Benign, SIFT - Damaging , and MutationTaster - Disease causing predicts conflicting evidence on protein structure and function for this variant. For these reasons, this variant has been classified as Uncertain Significance.